The following is an entry in ClinVar:

ClinVar aggregate classification (germline): Uncertain significance. Review status: criteria provided, multiple submitters, no conflicts (2 of 4 stars). 3 submissions from 3 submitters: Uncertain significance (2). 1 of the submissions does not count toward it. Last evaluated 2022-04-26.

Conditions:
Congenital microcephaly - severe encephalopathy - progressive cerebral atrophy syndrome. Also called: ASNS DEFICIENCY; Asparagine synthetase deficiency. Identifiers: Orphanet 391376, MedGen C3809971, MONDO:0014258, OMIM 615574.

Allele frequency attached by ClinVar (database versions not stated): TOPMed below 0.00001; gnomAD 0.00001; gnomAD exomes 0.00001.
gnomAD v4.1: 19 of 1,613,990 alleles (0.0012%); highest among the groups gnomAD compares: Non-Finnish European, 0.0014%; no homozygotes.

Submissions (3):

Labcorp Genetics (formerly Invitae), Labcorp
Classification: Uncertain significance. Last evaluated: 2022-04-26. Review status: criteria provided, single submitter. Criteria: Invitae Variant Classification Sherloc (09022015). Collection method: clinical testing. Allele origin: germline.
Comment: This sequence change replaces proline, which is neutral and non-polar, with leucine, which is neutral and non-polar, at codon 539 of the ASNS protein (p.Pro539Leu). This variant is not present in population databases (gnomAD no frequency). This variant has not been reported in the literature in individuals affected with ASNS-related conditions. ClinVar contains an entry for this variant (Variation ID: 453130). Advanced modeling of protein sequence and biophysical properties (such as structural, functional, and spatial information, amino acid conservation, physicochemical variation, residue mobility, and thermodynamic stability) performed at Invitae indicates that this missense variant is expected to disrupt ASNS protein function. In summary, the available evidence is currently insufficient to determine the role of this variant in disease. Therefore, it has been classified as a Variant of Uncertain Significance.

GeneDx
Classification: Uncertain significance. Last evaluated: 2017-11-08. Review status: criteria provided, single submitter. Criteria: GeneDx Variant Classification (06012015). Collection method: clinical testing. Allele origin: germline. Affected: yes.
Comment: The P539L variant has not been published as a pathogenic variant, nor has it been reported as a benign variant to our knowledge. The P539L variant is not observed in large population cohorts (Lek et al., 2016). The P539L variant is a semi-conservative amino acid substitution, which may impact secondary protein structure as these residues differ in some properties. In silico analyses, including protein predictors and evolutionary conservation, support a deleterious effect. Based on the currently available information, it is unclear whether this variant is a pathogenic variant or a rare benign variant.

Natera, Inc.
Classification: Uncertain significance for Asparagine synthetase deficiency. Last evaluated: 2020-09-16. Review status: no assertion criteria provided. Collection method: clinical testing. Allele origin: germline. Not counted in ClinVar's aggregate classification.

NM_001673.5(ASNS):c.1616C>T (p.Pro539Leu)

Genes: ASNS (asparagine synthetase (glutamine-hydrolyzing); minus strand), CZ1P-ASNS (CZ1P-ASNS readthrough; minus strand). Cytogenetic location: 7q21.3.
Variant type: single nucleotide variant.
Coding change: c.1616C>T on transcript NM_001673.5 (MANE Select); coding-DNA position 1616, C replaced by T.
Protein change: p.Pro539Leu; replaces proline 539 with leucine.
Molecular consequence: missense variant. On other transcripts: non-coding transcript variant (1).
Genome position (GRCh38, 1-based): chr7:97,852,329, G>A on the plus strand (C>T on the coding strand, the complement: ASNS is on the minus strand). VCF-style: chr7-97852329-G-A. GRCh37 (hg19) VCF-style: chr7-97481641-G-A.
Other names: c.1553C>T, p.Pro518Leu (NM_001178075.2); c.1367C>T, p.Pro456Leu (NM_001178076.2, NM_001178077.1); c.1616C>T, p.Pro539Leu (NM_001352496.2, NM_183356.4, NM_133436.3); short protein forms P539L, P456L, P518L.
Identifiers: ClinVar variation 453130 (VCV000453130.5), dbSNP rs1182799813, ClinGen allele CA368264085.